The following is an entry in ClinVar:

ClinVar aggregate classification (germline): Uncertain significance (1 of 4 stars; one submission).

gnomAD v4.1: 1 of 1,613,544 alleles (0.000062%); highest among the groups gnomAD compares: Non-Finnish European, 0.000085%; no homozygotes.

Submission:

Labcorp Genetics (formerly Invitae), Labcorp
Classification: Uncertain significance. Last evaluated: 2025-09-10. Review status: criteria provided, single submitter. Criteria: Invitae Variant Classification Sherloc (09022015). Collection method: clinical testing. Allele origin: germline.
Comment: This sequence change replaces threonine, which is neutral and polar, with alanine, which is neutral and non-polar, at codon 39 of the SON protein (p.Thr39Ala). This variant is present in population databases (rs749860348, gnomAD 0.0009%). This variant has not been reported in the literature in individuals affected with SON-related conditions. An algorithm developed to predict the effect of missense changes on protein structure and function outputs the following: PolyPhen-2: "Benign". The alanine amino acid residue is found in multiple mammalian species, which suggests that this missense change does not adversely affect protein function. In summary, the available evidence is currently insufficient to determine the role of this variant in disease. Therefore, it has been classified as a Variant of Uncertain Significance.

NM_138927.4(SON):c.115A>G (p.Thr39Ala)

Gene: SON (SON DNA and RNA binding protein; plus strand). Cytogenetic location: 21q22.11.
Variant type: single nucleotide variant.
Coding change: c.115A>G on transcript NM_138927.4 (MANE Select); coding-DNA position 115, A replaced by G.
Protein change: p.Thr39Ala; replaces threonine 39 with alanine.
Molecular consequence: missense variant. On other transcripts: non-coding transcript variant (1).
Genome position (GRCh38, 1-based): chr21:33,546,250, A>G. VCF-style: chr21-33546250-A-G. GRCh37 (hg19) VCF-style: chr21-34918556-A-G.
Other names: c.115A>G, p.Thr39Ala (NM_001291411.2, NM_001291412.3, NM_032195.3); short protein forms T39A.
Identifiers: ClinVar variation 4772735 (VCV004772735.1).